The following is an entry in ClinVar:

ClinVar aggregate classification (germline): Likely benign (1 of 4 stars; one submission).

Allele frequency attached by ClinVar (database versions not stated): gnomAD exomes below 0.00001; gnomAD 0.00001; TOPMed 0.00001.

Submission:

GeneDx
Classification: Likely benign. Last evaluated: 2018-03-21. Review status: criteria provided, single submitter. Criteria: GeneDx Variant Classification (06012015). Collection method: clinical testing. Allele origin: germline. Affected: yes.
Comment: This variant is considered likely benign or benign based on one or more of the following criteria: it is a conservative change, it occurs at a poorly conserved position in the protein, it is predicted to be benign by multiple in silico algorithms, and/or has population frequency not consistent with disease.

NM_001037.5(SCN1B):c.40+9G>A

Gene: SCN1B (sodium voltage-gated channel beta subunit 1; plus strand). Cytogenetic location: 19q13.11.
Variant type: single nucleotide variant.
Coding change: c.40+9G>A on transcript NM_001037.5 (MANE Select); 9 bases into the intron after coding-DNA position 40, G replaced by A.
Molecular consequence: intron variant.
Genome position (GRCh38, 1-based): chr19:35,030,869, G>A. VCF-style: chr19-35030869-G-A. GRCh37 (hg19) VCF-style: chr19-35521773-G-A.
Other names: c.40+9G>A (NM_199037.5).
Identifiers: ClinVar variation 681122 (VCV000681122.1), dbSNP rs1455017466, ClinGen allele CA881756384.